The following is an entry in ClinVar:

NM_052845.4(MMAB):c.31G>C (p.Gly11Arg)

Genes: MMAB (metabolism of cobalamin associated B; minus strand), MVK (mevalonate kinase; plus strand). Cytogenetic location: 12q24.11.
Variant type: single nucleotide variant.
Coding change: c.31G>C on transcript NM_052845.4 (MANE Select); coding-DNA position 31, G replaced by C.
Protein change: p.Gly11Arg; replaces glycine 11 with arginine.
Molecular consequence: missense variant. On other transcripts: non-coding transcript variant (1).
Genome position (GRCh38, 1-based): chr12:109,573,450, C>G on the plus strand (G>C on the coding strand, the complement: MMAB is on the minus strand). VCF-style: chr12-109573450-C-G. GRCh37 (hg19) VCF-style: chr12-110011255-C-G.
Other names: short protein forms G11R.
Identifiers: ClinVar variation 4874382 (VCV004874382.2).

ClinVar aggregate classification (germline): Uncertain significance (1 of 4 stars; one submission).

gnomAD v4.1: 1 of 1,607,970 alleles (0.000062%); highest among the groups gnomAD compares: Non-Finnish European, 0.000085%; no homozygotes.

Submission:

CeGaT Center for Human Genetics Tuebingen
Classification: Uncertain significance. Last evaluated: 2026-04-01. Review status: criteria provided, single submitter. Criteria: CeGaT Center For Human Genetics Tuebingen Variant Classification Criteria Version 2. Collection method: clinical testing. Allele origin: germline. Affected: yes. Observed: 1 variant allele.
Comment: MMAB: PM2, BP4